The following is an entry in ClinVar:

ClinVar aggregate classification (germline): Benign. Review status: criteria provided, multiple submitters, no conflicts (2 of 4 stars). 5 submissions from 5 submitters: Benign (4). 1 of the submissions does not count toward it. Last evaluated 2026-05-05.

Conditions:
CNNM2-related disorder. Also called: CNNM2-related condition.
Renal hypomagnesemia 6. Identifiers: Orphanet 34527, MedGen C3151295, MONDO:0013480, OMIM 613882.

Allele frequency attached by ClinVar (database versions not stated): gnomAD exomes 0.00126 and 0.00292; ExAC 0.00355; gnomAD 0.01266 and 0.01345; 1000 Genomes Project 0.01278; TOPMed 0.01422; ESP Exome Variant Server 0.01436; 1000 Genomes Project 30x 0.01437.
gnomAD v4.1: 3,799 of 1,610,694 alleles (0.24%); highest among the groups gnomAD compares: African/African-American, 4.6%; 111 homozygotes.

Submissions (5):

Revvity Omics, Revvity
Classification: Benign. Last evaluated: 2026-05-05. Review status: criteria provided, single submitter. Criteria: ACMG Guidelines, 2015. Collection method: clinical testing. Allele origin: germline.

Labcorp Genetics (formerly Invitae), Labcorp
Classification: Benign. Last evaluated: 2026-01-27. Review status: criteria provided, single submitter. Criteria: Invitae Variant Classification Sherloc (09022015). Collection method: clinical testing. Allele origin: germline.

Illumina Laboratory Services, Illumina
Classification: Benign for Renal hypomagnesemia 6. Last evaluated: 2018-01-13. Review status: criteria provided, single submitter. Criteria: ICSL Variant Classification Criteria 13 December 2019. Collection method: clinical testing. Allele origin: germline.
Comment: This variant was observed in the ICSL laboratory as part of a predisposition screen in an ostensibly healthy population. It had not been previously curated by ICSL or reported in the Human Gene Mutation Database (HGMD: prior to June 1st, 2018), and was therefore a candidate for classification through an automated scoring system. Utilizing variant allele frequency, disease prevalence and penetrance estimates, and inheritance mode, an automated score was calculated to assess if this variant is too frequent to cause the disease. Based on the score and internal cut-off values, a variant classified as benign is not then subjected to further curation. The score for this variant resulted in a classification of benign for this disease.

Breakthrough Genomics
Classification: Benign. Review status: criteria provided, single submitter. Criteria: ACMG Guidelines, 2015. Collection method: not provided. Allele origin: germline. Inheritance: Autosomal dominant inheritance. Affected: yes.

PreventionGenetics, part of Exact Sciences
Classification: Benign for CNNM2-related condition. Last evaluated: 2023-12-06. Review status: no assertion criteria provided. Collection method: clinical testing. Allele origin: germline. Not counted in ClinVar's aggregate classification.
Comment: This variant is classified as benign based on ACMG/AMP sequence variant interpretation guidelines (Richards et al. 2015 PMID: 25741868, with internal and published modifications).

NM_017649.5(CNNM2):c.1622-6C>T

Gene: CNNM2 (cyclin and CBS domain divalent metal cation transport mediator 2; plus strand). Cytogenetic location: 10q24.32.
Variant type: single nucleotide variant.
Coding change: c.1622-6C>T on transcript NM_017649.5 (MANE Select); 6 bases into the intron before coding-DNA position 1622, C replaced by T.
Molecular consequence: intron variant.
Genome position (GRCh38, 1-based): chr10:103,049,701, C>T. VCF-style: chr10-103049701-C-T. GRCh37 (hg19) VCF-style: chr10-104809458-C-T.
Other names: c.1622-6C>T (NM_199076.3).
Identifiers: ClinVar variation 298643 (VCV000298643.18), dbSNP rs74464353, ClinGen allele CA5670430.